The following is an entry in ClinVar:

NM_019892.6(INPP5E):c.92C>T (p.Pro31Leu)

Gene: INPP5E (inositol polyphosphate-5-phosphatase E; minus strand). Cytogenetic location: 9q34.3.
Variant type: single nucleotide variant.
Coding change: c.92C>T on transcript NM_019892.6 (MANE Select); coding-DNA position 92, C replaced by T.
Protein change: p.Pro31Leu; replaces proline 31 with leucine.
Molecular consequence: missense variant.
Genome position (GRCh38, 1-based): chr9:136,439,328, G>A on the plus strand (C>T on the coding strand, the complement: INPP5E is on the minus strand). VCF-style: chr9-136439328-G-A. GRCh37 (hg19) VCF-style: chr9-139333780-G-A.
Other names: c.92C>T, p.Pro31Leu (NM_001318502.2); short protein forms P31L.
Identifiers: ClinVar variation 4994568 (VCV004994568.1).
Genomic context (GRCh38, chr9:136,439,328, plus strand): 5'-GCAAGCGCGGGGCTCTCGGAGCCCGGAGCATCGGGTGGGGACCCCGCGCGCTGGGCCGGC[G>A]GAGCGCCGGGAAGCTGTCCTTGGAGCGTCCTCCCTTCCGGCGGCTGCGGGGCCGGCTCGG-3'
Protein context (NP_063945.2, residues 21-41): RTLQGQLPGA[Pro31Leu]PAQRAGSPPD

ClinVar aggregate classification (germline): Uncertain significance (1 of 4 stars; one submission).

Conditions:
INPP5E-related disorder. Also called: INPP5E-related condition.

Submission:

PreventionGenetics, part of Exact Sciences
Classification: Uncertain significance for INPP5E-related condition. Last evaluated: 2026-03-12. Review status: criteria provided, single submitter. Criteria: ACMG Guidelines, 2015. Collection method: clinical testing. Allele origin: germline.
Comment: The INPP5E c.92C>T variant is predicted to result in the amino acid substitution p.Pro31Leu. To our knowledge, this variant has not been reported in the literature or in a large population database (gnomAD), indicating this variant is rare. At this time, the clinical significance of this variant is uncertain due to the absence of conclusive functional and genetic evidence.